The following is an entry in ClinVar:

ClinVar aggregate classification (germline): Likely pathogenic (1 of 4 stars; one submission).

Submission:

Labcorp Genetics (formerly Invitae), Labcorp
Classification: Likely pathogenic. Last evaluated: 2023-10-03. Review status: criteria provided, single submitter. Criteria: Invitae Variant Classification Sherloc (09022015). Collection method: clinical testing. Allele origin: germline.
Comment: This sequence change affects a donor splice site in intron 28 of the COL2A1 gene. It is expected to disrupt RNA splicing. Variants that disrupt the donor or acceptor splice site typically lead to a loss of protein function (PMID: 16199547), and loss-of-function variants in COL2A1 are known to be pathogenic (PMID: 20179744). This variant is not present in population databases (gnomAD no frequency). Disruption of this splice site has been observed in individual(s) with Stickler syndrome (PMID: 16752401). ClinVar contains an entry for this variant (Variation ID: 1491630). Algorithms developed to predict the effect of sequence changes on RNA splicing suggest that this variant may disrupt the consensus splice site. In summary, the currently available evidence indicates that the variant is pathogenic, but additional data are needed to prove that conclusively. Therefore, this variant has been classified as Likely Pathogenic.

Literature cited by the submitters: PubMed 16199547; PubMed 20179744; PubMed 16752401.

NM_001844.5(COL2A1):c.1887+1G>T

Gene: COL2A1 (collagen type II alpha 1 chain; minus strand). Cytogenetic location: 12q13.11.
Variant type: single nucleotide variant.
Coding change: c.1887+1G>T on transcript NM_001844.5 (MANE Select); the canonical splice donor site of the intron after coding-DNA position 1887, G replaced by T.
Molecular consequence: splice donor variant.
Genome position (GRCh38, 1-based): chr12:47,984,545, C>A on the plus strand (G>T on the coding strand, the complement: COL2A1 is on the minus strand). VCF-style: chr12-47984545-C-A. GRCh37 (hg19) VCF-style: chr12-48378328-C-A.
Other names: c.1680+1G>T (NM_033150.3).
Identifiers: ClinVar variation 1491630 (VCV001491630.8), dbSNP rs2136561510, ClinGen allele CA384549266.